The following is an entry in ClinVar:

NM_198994.3(TGM6):c.1134C>T (p.Arg378=)

Gene: TGM6 (transglutaminase 6; plus strand). Cytogenetic location: 20p13.
Variant type: single nucleotide variant.
Coding change: c.1134C>T on transcript NM_198994.3 (MANE Select); coding-DNA position 1134, C replaced by T.
Protein change: p.Arg378=; no amino-acid change (arginine 378 retained).
Molecular consequence: synonymous variant.
Genome position (GRCh38, 1-based): chr20:2,403,621, C>T. VCF-style: chr20-2403621-C-T. GRCh37 (hg19) VCF-style: chr20-2384267-C-T.
Other names: c.1134C>T, p.Arg378= (NM_001254734.2).
Identifiers: ClinVar variation 2637476 (VCV002637476.25), dbSNP rs749044326, ClinGen allele CA9731989.

ClinVar aggregate classification (germline): Likely benign. Review status: criteria provided, multiple submitters, no conflicts (2 of 4 stars). 4 submissions from 4 submitters: Likely benign (4). Last evaluated 2025-07-01.

Allele frequency attached by ClinVar (database versions not stated): ExAC 0.00001; gnomAD 0.00001; TOPMed 0.00005.
gnomAD v4.1: 50 of 1,614,072 alleles (0.0031%); highest among the groups gnomAD compares: Middle Eastern, 0.033%; no homozygotes.

Submissions (4):

Labcorp Genetics (formerly Invitae), Labcorp
Classification: Likely benign. Last evaluated: 2025-07-01. Review status: criteria provided, single submitter. Criteria: Invitae Variant Classification Sherloc (09022015). Collection method: clinical testing. Allele origin: germline.

Blueprint Genetics
Classification: Likely benign. Last evaluated: 2024-10-28. Review status: criteria provided, single submitter. Criteria: ACMG Guidelines, 2015. Collection method: clinical testing. Allele origin: germline.

CeGaT Center for Human Genetics Tuebingen
Classification: Likely benign. Last evaluated: 2024-01-01. Review status: criteria provided, single submitter. Criteria: CeGaT Center For Human Genetics Tuebingen Variant Classification Criteria Version 2. Collection method: clinical testing. Allele origin: germline. Affected: yes. Observed: 1 variant allele.
Comment: TGM6: BP4, BP7

Women's Health and Genetics/Laboratory Corporation of America, LabCorp
Classification: Likely benign. Last evaluated: 2023-10-25. Review status: criteria provided, single submitter. Criteria: LabCorp Variant Classification Summary - May 2015. Collection method: clinical testing. Allele origin: germline.